The following is an entry in ClinVar:

NM_001365951.3(KIF1B):c.3620A>G (p.Gln1207Arg)

Gene: KIF1B (kinesin family member 1B; plus strand). Cytogenetic location: 1p36.22.
Variant type: single nucleotide variant.
Coding change: c.3620A>G on transcript NM_001365951.3 (MANE Select); coding-DNA position 3620, A replaced by G.
Protein change: p.Gln1207Arg; replaces glutamine 1207 with arginine.
Molecular consequence: missense variant.
Genome position (GRCh38, 1-based): chr1:10,342,156, A>G. VCF-style: chr1-10342156-A-G. GRCh37 (hg19) VCF-style: chr1-10402214-A-G.
Other names: c.3620A>G, p.Gln1207Arg (NM_001365952.1); c.3482A>G, p.Gln1161Arg (NM_015074.3); short protein forms Q1161R, Q1207R.
Identifiers: ClinVar variation 1731854 (VCV001731854.8), dbSNP rs758329281, ClinGen allele CA581820.

ClinVar aggregate classification (germline): Uncertain significance. Review status: criteria provided, multiple submitters, no conflicts (2 of 4 stars). 2 submissions from 2 submitters: Uncertain significance (2). Last evaluated 2026-01-20.

Conditions:
Charcot-Marie-Tooth disease type 2. Also called: Charcot-Marie-Tooth type 2. Identifiers: Orphanet 64746, MedGen C0270914, MONDO:0018993.

Allele frequency attached by ClinVar (database versions not stated): TOPMed 0.00002; gnomAD 0.00001; ExAC 0.00002.
gnomAD v4.1: 22 of 1,604,592 alleles (0.0014%); highest among the groups gnomAD compares: African/African-American, 0.004%; no homozygotes.

Submissions (2):

Labcorp Genetics (formerly Invitae), Labcorp
Classification: Uncertain significance for Charcot-Marie-Tooth disease type 2. Last evaluated: 2026-01-20. Review status: criteria provided, single submitter. Criteria: Invitae Variant Classification Sherloc (09022015). Collection method: clinical testing. Allele origin: germline.
Comment: This sequence change replaces glutamine, which is neutral and polar, with arginine, which is basic and polar, at codon 1161 of the KIF1B protein (p.Gln1161Arg). This variant is present in population databases (rs758329281, gnomAD 0.007%). This variant has not been reported in the literature in individuals affected with KIF1B-related conditions. ClinVar contains an entry for this variant (Variation ID: 1731854). An algorithm developed to predict the effect of missense changes on protein structure and function (PolyPhen-2) suggests that this variant is likely to be disruptive. In summary, the available evidence is currently insufficient to determine the role of this variant in disease. Therefore, it has been classified as a Variant of Uncertain Significance.

Ambry Genetics
Classification: Uncertain significance. Last evaluated: 2024-11-19. Review status: criteria provided, single submitter. Criteria: Ambry Variant Classification Scheme 2023. Collection method: clinical testing. Allele origin: germline.
Comment: The p.Q1161R variant (also known as c.3482A>G), located in coding exon 30 of the KIF1B gene, results from an A to G substitution at nucleotide position 3482. The glutamine at codon 1161 is replaced by arginine, an amino acid with highly similar properties. This amino acid position is well conserved in available vertebrate species. In addition, the in silico prediction for this alteration is inconclusive. The evidence for this gene-disease relationship is limited; therefore, the clinical significance of this alteration is unclear.